The following is an entry in ClinVar:

ClinVar aggregate classification (germline): Pathogenic/Likely pathogenic. Review status: criteria provided, multiple submitters, no conflicts (2 of 4 stars). 5 submissions from 5 submitters: Pathogenic (4); Likely pathogenic (1). Last evaluated 2025-11-04.

Conditions:
Cardiovascular phenotype. Identifiers: MedGen CN230736.
Ehlers-Danlos syndrome, arthrochalasia type. Also called: Ehlers-Danlos syndrome, arthrochalasis type; Ehlers-Danlos syndrome, arthrochalasia type, 1; ARTHROCHALASIS MULTIPLEX CONGENITA; EDS VII, MUTANT PROCOLLAGEN TYPE; EDS VIIA. Identifiers: Orphanet 1899, Orphanet 99875, Orphanet 99876, MedGen C4551623, MONDO:0007525, OMIM 130060.
Osteogenesis imperfecta type I (OI1). Also called: Osteogenesis imperfecta type 1; Lobstein disease; Classic Non-deforming Osteogenesis Imperfecta with Blue Sclerae; Lobstein's Disease; OI, TYPE I; OSTEOGENESIS IMPERFECTA TARDA. Identifiers: Orphanet 216796, Orphanet 666, MedGen C0023931, MONDO:0008146, OMIM 166200. Disease mechanism: loss of function.

Submissions (5):

Ambry Genetics
Classification: Pathogenic for Cardiovascular phenotype. Last evaluated: 2025-11-04. Review status: criteria provided, single submitter. Criteria: Ambry Variant Classification Scheme 2023. Collection method: clinical testing. Allele origin: germline.
Comment: The c.599G>T (p.G200V) alteration is located in exon 8 (coding exon 8) of the COL1A1 gene. This alteration results from a G to T substitution at nucleotide position 599, causing the glycine (G) at amino acid position 200 to be replaced by a valine (V). for COL1A1-related osteogenesis imperfecta/overlap disorder; however, its clinical significance for Caffey disease and COL1A1-related Ehlers-Danlos syndrome are both uncertain. This variant was not reported in population-based cohorts in the Genome Aggregation Database (gnomAD). This variant was reported in individuals with features consistent with COL1A1-related osteogenesis imperfecta/overlap disorder (Witecka, 2008; Balasubramanian, 2015; Mohd Nawawi, 2018). This amino acid position is highly conserved in available vertebrate species. The majority of pathogenic mutations identified to date in COL1A1 have involved the substitution of another amino acid for glycine within the triple-helical domain (Dalgleish, 1997; Marini, 2007; Bardai, 2016). Internal structural analysis indicates that this alteration disrupts the characteristic G-X-Y motif in the COL1A1 protein and inserts a bulky side chain into a sterically-constrained region (Bella, 1994; Hohenester, 2008; Ambry internal data). This alteration is predicted to be deleterious by in silico analysis. Based on the available evidence, this alteration is classified as pathogenic.

GeneDx
Classification: Pathogenic. Last evaluated: 2025-01-30. Review status: criteria provided, single submitter. Criteria: GeneDx Variant Classification Process June 2021. Collection method: clinical testing. Allele origin: germline. Affected: yes.
Comment: Occurs in the triple helical domain and replaces a glycine in a canonical Gly-X-Y repeat; missense substitution of a canonical glycine residue is expected to disrupt normal protein folding and function, and this is an established mechanism of disease (PMID: 34007986); Not observed at significant frequency in large population cohorts (gnomAD); In silico analysis supports that this missense variant has a deleterious effect on protein structure/function; This variant is associated with the following publications: (PMID: 24273577, 18670065, 34007986, 17078022, 25436829, 29807018, 30715774)

Labcorp Genetics (formerly Invitae), Labcorp
Classification: Pathogenic for Osteogenesis imperfecta type I. Last evaluated: 2021-01-12. Review status: criteria provided, single submitter. Criteria: Invitae Variant Classification Sherloc (09022015). Collection method: clinical testing. Allele origin: germline.
Comment: This sequence change replaces glycine with valine at codon 200 of the COL1A1 protein (p.Gly200Val). The glycine residue is highly conserved and there is a moderate physicochemical difference between glycine and valine. This variant is not present in population databases (ExAC no frequency). This variant has been reported in individuals affected with osteogenesis imperfecta (PMID: 18670065, 25436829). Glycine residues within the Gly-Xaa-Yaa repeats of the triple helix domain are required for the structure and stability of fibrillar collagens (PMID: 7695699, 8218237, 19344236). In COL1A1, missense variants at these glycine residues are significantly enriched in individuals with disease (PMID: 9016532, 17078022) compared to the general population (ExAC). For these reasons, this variant has been classified as Pathogenic.

CeGaT Center for Human Genetics Tuebingen
Classification: Pathogenic. Last evaluated: 2019-02-01. Review status: criteria provided, single submitter. Criteria: CeGaT Center For Human Genetics Tuebingen Variant Classification Criteria Version 2. Collection method: clinical testing. Allele origin: germline. Affected: yes. Observed: 2 variant alleles.

Neuberg Centre For Genomic Medicine, NCGM
Classification: Likely pathogenic for Ehlers-Danlos syndrome, arthrochalasia type. Review status: criteria provided, single submitter. Criteria: ACMG Guidelines, 2015. Collection method: clinical testing. Allele origin: germline. Inheritance: Autosomal dominant inheritance. Affected: yes.
Comment: The missense c.599G>T(p.Gly200Val) variant in COL1A1 gene has been reported previously in heterozygous state in individual(s) affected with COL1A1-related disorders (Balasubramanian M, et. al., 2015). The p.Gly200Val variant is novel (not in any individuals) in both gnomAD Exomes and 1000 Genomes databases. This variant has been reported to the ClinVar database as Pathogenic. The amino acid change p.Gly200Val in COL1A1 is predicted as conserved by GERP++ and PhyloP across 100 vertebrates. The amino acid Gly at position 200 is changed to a Val changing protein sequence and it might alter its composition and physico-chemical properties. However, additional functional studies will be required to prove the pathogenicity of this variant. For these reasons, this variant has been classified as Likely Pathogenic.

Literature cited by the submitters: PubMed 7695699 (cited by Ambry Genetics and Labcorp Genetics (formerly Invitae), Labcorp); PubMed 9016532 (cited by Ambry Genetics and Labcorp Genetics (formerly Invitae), Labcorp); PubMed 17078022 (cited by Ambry Genetics and Labcorp Genetics (formerly Invitae), Labcorp); PubMed 18670065 (cited by Ambry Genetics and Labcorp Genetics (formerly Invitae), Labcorp); PubMed 19011090 (cited by Ambry Genetics); PubMed 25436829 (cited by Ambry Genetics and Labcorp Genetics (formerly Invitae), Labcorp); PubMed 27509835 (cited by Ambry Genetics); PubMed 29807018 (cited by Ambry Genetics); PubMed 8218237 (cited by Labcorp Genetics (formerly Invitae), Labcorp); PubMed 19344236 (cited by Labcorp Genetics (formerly Invitae), Labcorp).

NM_000088.4(COL1A1):c.599G>T (p.Gly200Val)

Gene: COL1A1 (collagen type I alpha 1 chain; minus strand). Cytogenetic location: 17q21.33.
Variant type: single nucleotide variant.
Coding change: c.599G>T on transcript NM_000088.4 (MANE Select); coding-DNA position 599, G replaced by T.
Protein change: p.Gly200Val; replaces glycine 200 with valine.
Molecular consequence: missense variant.
Genome position (GRCh38, 1-based): chr17:50,197,992, C>A on the plus strand (G>T on the coding strand, the complement: COL1A1 is on the minus strand). VCF-style: chr17-50197992-C-A. GRCh37 (hg19) VCF-style: chr17-48275353-C-A.
Other names: short protein forms G200V.
Identifiers: ClinVar variation 526854 (VCV000526854.51), dbSNP rs72667029, ClinGen allele CA291548113.